The following is an entry in ClinVar:

ClinVar aggregate classification (germline): Benign/Likely benign. Review status: criteria provided, multiple submitters, no conflicts (2 of 4 stars). 7 submissions from 7 submitters: Benign (1); Likely benign (6). Last evaluated 2026-01-08.

Conditions:
Breast and/or ovarian cancer. Identifiers: MedGen CN221562.
Hereditary cancer-predisposing syndrome. Also called: Neoplastic Syndromes, Hereditary; Tumor predisposition; Hereditary Cancer Syndrome; Hereditary neoplastic syndrome. Identifiers: Orphanet 140162, MedGen C0027672, MeSH D009386, MONDO:0015356.
Familial cancer of breast. Also called: hereditary breast carcinoma; BREAST CANCER, FAMILIAL; Hereditary breast cancer. Identifiers: Orphanet 227535, MedGen C0346153, MONDO:0016419, OMIM 114480. Disease mechanism: loss of function.
Ataxia-telangiectasia syndrome (AT). Also called: LOUIS-BAR SYNDROME; Ataxia-telangiectasia, complementation group E; ATAXIA-TELANGIECTASIA, COMPLEMENTATION GROUP A; ATAXIA-TELANGIECTASIA, FRESNO VARIANT; Ataxia-telangiectasia; Ataxia telangiectasia (A-T). Identifiers: Orphanet 100, MedGen C0004135, MONDO:0008840, OMIM 208900.

Allele frequency attached by ClinVar (database versions not stated): gnomAD exomes 0.00001.
gnomAD v4.1: 7 of 1,613,624 alleles (0.00043%); highest among the groups gnomAD compares: Non-Finnish European, 0.00059%; no homozygotes.

Submissions (7):

Labcorp Genetics (formerly Invitae), Labcorp
Classification: Likely benign for Ataxia-telangiectasia syndrome. Last evaluated: 2026-01-08. Review status: criteria provided, single submitter. Criteria: Invitae Variant Classification Sherloc (09022015). Collection method: clinical testing. Allele origin: germline.

Blueprint Genetics
Classification: Likely benign. Last evaluated: 2024-07-04. Review status: criteria provided, single submitter. Criteria: ACMG Guidelines, 2015. Collection method: clinical testing. Allele origin: germline.

Myriad Genetics, Inc.
Classification: Benign for Familial cancer of breast. Last evaluated: 2024-05-14. Review status: criteria provided, single submitter. Criteria: Myriad Autosomal Dominant, Autosomal Recessive and X-Linked Classification Criteria (2023). Collection method: clinical testing. Allele origin: unknown.
Comment: This variant is considered benign. This variant is a silent/synonymous amino acid change and it is not expected to impact splicing.

CHEO Genetics Diagnostic Laboratory, Children's Hospital of Eastern Ontario
Classification: Likely benign for Breast and/or ovarian cancer. Last evaluated: 2022-11-22. Review status: criteria provided, single submitter. Criteria: ACMG Guidelines, 2015. Collection method: clinical testing. Allele origin: germline.

GeneDx
Classification: Likely benign. Last evaluated: 2021-03-04. Review status: criteria provided, single submitter. Criteria: GeneDx Variant Classification Process June 2021. Collection method: clinical testing. Allele origin: germline. Affected: yes.

Color Diagnostics, LLC DBA Color Health
Classification: Likely benign for Hereditary cancer-predisposing syndrome. Last evaluated: 2018-06-11. Review status: criteria provided, single submitter. Criteria: ACMG Guidelines, 2015. Collection method: clinical testing. Allele origin: germline.

Ambry Genetics
Classification: Likely benign for Hereditary cancer-predisposing syndrome. Last evaluated: 2016-09-02. Review status: criteria provided, single submitter. Criteria: Ambry Variant Classification Scheme 2023. Collection method: clinical testing. Allele origin: germline.

NM_000051.4(ATM):c.3324G>C (p.Leu1108=)

Gene: ATM (ATM serine/threonine kinase; plus strand). Cytogenetic location: 11q22.3.
Variant type: single nucleotide variant.
Coding change: c.3324G>C on transcript NM_000051.4 (MANE Select); coding-DNA position 3324, G replaced by C.
Protein change: p.Leu1108=; no amino-acid change (leucine 1108 retained).
Molecular consequence: synonymous variant.
Genome position (GRCh38, 1-based): chr11:108,279,530, G>C. VCF-style: chr11-108279530-G-C. GRCh37 (hg19) VCF-style: chr11-108150257-G-C.
Other names: c.3324G>C, p.Leu1108= (NM_001351834.2).
Identifiers: ClinVar variation 414595 (VCV000414595.23), dbSNP rs762269034, ClinGen allele CA16613403.
Genomic context (GRCh38, chr11:108,279,530, plus strand): 5'-TGTTTGCTTGCTTGTTTTAAGATTGTTCCAGGACACGAAGGGAGATTCTTCCAGGTTACT[G>C]AAAGCACTTCCTTTGAAGCTTCAGCAAACAGCTTTTGAAAATGCATACTTGAAAGCTCAG-3'
Protein context (NP_000042.3, residues 1098-1118): QDTKGDSSRL[Leu1108=]KALPLKLQQT